The following is an entry in ClinVar:

ClinVar aggregate classification (germline): Uncertain significance (1 of 4 stars; one submission).

Submission:

Ambry Genetics
Classification: Uncertain significance. Last evaluated: 2025-03-30. Review status: criteria provided, single submitter. Criteria: Ambry Variant Classification Scheme 2023. Collection method: clinical testing. Allele origin: germline.
Comment: The c.62C>T (p.A21V) alteration is located in exon (coding exon ) of the SAMD1 gene. This alteration results from a C to T substitution at nucleotide position 62, causing the alanine (A) at amino acid position 21 to be replaced by a valine (V). Based on insufficient or conflicting evidence, the clinical significance of this alteration remains unclear.

NM_138352.3(SAMD1):c.62C>T (p.Ala21Val)

Genes: SAMD1 (sterile alpha motif domain containing 1; minus strand), LOC130063760 (ATAC-STARR-seq lymphoblastoid silent region 10229; plus strand). Cytogenetic location: 19p13.12.
Variant type: single nucleotide variant.
Coding change: c.62C>T on transcript NM_138352.3 (MANE Select); coding-DNA position 62, C replaced by T.
Protein change: p.Ala21Val; replaces alanine 21 with valine.
Molecular consequence: missense variant.
Genome position (GRCh38, 1-based): chr19:14,090,359, G>A on the plus strand (C>T on the coding strand, the complement: SAMD1 is on the minus strand). VCF-style: chr19-14090359-G-A. GRCh37 (hg19) VCF-style: chr19-14201171-G-A.
Other names: short protein forms A21V.
Identifiers: ClinVar variation 3949360 (VCV003949360.1).
Genomic context (GRCh38, chr19:14,090,359, plus strand): 5'-GAGTCGATGGTGTCCAGGATCCACTCTTGGTAGTGCGGGGAAGCGGCGGACGACGAGGCG[G>A]CGGCCGCCGTGGTGGCGGCCGCCGCCGTCTCCGGCGGGGGTAGGGCCGGGGGCCCCGCCA-3'
Protein context (NP_612361.1, residues 11-31): ETAAAATTAA[Ala21Val]ASSSAASPHY